The following is an entry in ClinVar:

NM_001160148.2(DDHD1):c.1044dup (p.Val349fs)

Gene: DDHD1 (DDHD domain containing 1; minus strand). Cytogenetic location: 14q22.1.
Variant type: Duplication.
Coding change: c.1044dup on transcript NM_001160148.2 (MANE Select); coding-DNA position 1044, one base duplicated (T; older notation c.1044dupT).
Protein change: p.Val349fs; shifts the reading frame from valine 349.
Molecular consequence: frameshift variant.
Genome position (GRCh38, 1-based): chr14:53,093,413, A duplicated on the plus strand (T on the coding strand, the reverse complement: DDHD1 is on the minus strand). VCF-style (leftmost placement, unchanged base first): chr14-53093412-C-CA. GRCh37 (hg19) VCF-style: chr14-53560130-C-CA.
Other names: c.1065dup, p.Val356fs (NM_001160147.2); c.1044dup, p.Val349fs (NM_030637.3); short protein forms V356fs, V349fs.
Identifiers: ClinVar variation 951954 (VCV000951954.1), dbSNP rs1886604612, ClinGen allele CA1139663491.

ClinVar aggregate classification (germline): Pathogenic (1 of 4 stars; one submission).

Conditions:
Hereditary spastic paraplegia 28. Also called: Spastic paraplegia 28, autosomal recessive. Identifiers: Orphanet 101008, MedGen C1836295, MONDO:0012256, OMIM 609340.

Allele frequency attached by ClinVar (database versions not stated): gnomAD exomes below 0.00001.

Submission:

Labcorp Genetics (formerly Invitae), Labcorp
Classification: Pathogenic for Spastic paraplegia 28, autosomal recessive. Last evaluated: 2019-07-19. Review status: criteria provided, single submitter. Criteria: Invitae Variant Classification Sherloc (09022015). Collection method: clinical testing. Allele origin: germline.
Comment: This sequence change creates a premature translational stop signal (p.Val356Cysfs*8) in the DDHD1 gene. It is expected to result in an absent or disrupted protein product. This variant is not present in population databases (ExAC no frequency). This variant has not been reported in the literature in individuals with DDHD1-related disease. Loss-of-function variants in DDHD1 are known to be pathogenic (PMID: 23176821, 24989667, 26944165, 27216551). For these reasons, this variant has been classified as Pathogenic.